The following is an entry in ClinVar:

NM_153252.5(BRWD3):c.461G>A (p.Gly154Asp)

Gene: BRWD3 (bromodomain and WD repeat domain containing 3; minus strand). Cytogenetic location: Xq21.1.
Variant type: single nucleotide variant.
Coding change: c.461G>A on transcript NM_153252.5 (MANE Select); coding-DNA position 461, G replaced by A.
Protein change: p.Gly154Asp; replaces glycine 154 with aspartic acid.
Molecular consequence: missense variant.
Genome position (GRCh38, 1-based): chrX:80,745,699, C>T on the plus strand (G>A on the coding strand, the complement: BRWD3 is on the minus strand). VCF-style: chrX-80745699-C-T. GRCh37 (hg19) VCF-style: chrX-80001198-C-T.
Other names: c.461G>A, p.Gly154Asp (NM_001441339.1); short protein forms G154D.
Identifiers: ClinVar variation 5009770 (VCV005009770.1).

ClinVar aggregate classification (germline): Uncertain significance (1 of 4 stars; one submission).

Submission:

GeneDx
Classification: Uncertain significance. Last evaluated: 2026-02-21. Review status: criteria provided, single submitter. Criteria: GeneDx Variant Classification Process June 2021. Collection method: clinical testing. Allele origin: germline.
Comment: Not observed at significant frequency in large population cohorts (gnomAD); In silico analysis supports that this missense variant has a deleterious effect on protein structure/function; Has not been previously published as pathogenic or benign to our knowledge